The following is an entry in ClinVar:

NM_001369.3(DNAH5):c.1420G>A (p.Glu474Lys)

Gene: DNAH5 (dynein axonemal heavy chain 5; minus strand). Cytogenetic location: 5p15.2.
Variant type: single nucleotide variant.
Coding change: c.1420G>A on transcript NM_001369.3 (MANE Select); coding-DNA position 1420, G replaced by A.
Protein change: p.Glu474Lys; replaces glutamic acid 474 with lysine.
Molecular consequence: missense variant.
Genome position (GRCh38, 1-based): chr5:13,913,859, C>T on the plus strand (G>A on the coding strand, the complement: DNAH5 is on the minus strand). VCF-style: chr5-13913859-C-T. GRCh37 (hg19) VCF-style: chr5-13913968-C-T.
Other names: short protein forms E474K.
Identifiers: ClinVar variation 351211 (VCV000351211.7), dbSNP rs886060012, ClinGen allele CA10620284.

ClinVar aggregate classification (germline): Uncertain significance. Review status: criteria provided, multiple submitters, no conflicts (2 of 4 stars). 2 submissions from 2 submitters: Uncertain significance (2). Last evaluated 2018-10-23.

Conditions:
Primary ciliary dyskinesia. Also called: Ciliary dyskinesia. Identifiers: Orphanet 244, MedGen C0008780, MONDO:0016575, HP:0012265.
Primary ciliary dyskinesia 3. Identifiers: Orphanet 244, MedGen C1837618, MONDO:0012085, OMIM 608644.

Allele frequency attached by ClinVar (database versions not stated): TOPMed below 0.00001; gnomAD exomes 0.00001 and 0.00002.
gnomAD v4.1: 27 of 1,613,532 alleles (0.0017%); highest among the groups gnomAD compares: Middle Eastern, 0.017%; no homozygotes.

Submissions (2):

Ambry Genetics
Classification: Uncertain significance for Primary ciliary dyskinesia. Last evaluated: 2018-10-23. Review status: criteria provided, single submitter. Criteria: Ambry Variant Classification Scheme 2023. Collection method: clinical testing. Allele origin: germline.
Comment: The p.E474K variant (also known as c.1420G>A), located in coding exon 11 of the DNAH5 gene, results from a G to A substitution at nucleotide position 1420. The glutamic acid at codon 474 is replaced by lysine, an amino acid with similar properties. This amino acid position is not well conserved in available vertebrate species. In addition, this alteration is predicted to be tolerated by in silico analysis. Since supporting evidence is limited at this time, the clinical significance of this alteration remains unclear.

Illumina Laboratory Services, Illumina
Classification: Uncertain significance for Primary ciliary dyskinesia 3. Last evaluated: 2018-01-12. Review status: criteria provided, single submitter. Criteria: ICSL Variant Classification Criteria 13 December 2019. Collection method: clinical testing. Allele origin: germline.